The following is an entry in ClinVar:

NM_000222.3(KIT):c.2083G>C (p.Glu695Gln)

Gene: KIT (KIT proto-oncogene, receptor tyrosine kinase; plus strand). Cytogenetic location: 4q12.
Variant type: single nucleotide variant.
Coding change: c.2083G>C on transcript NM_000222.3 (MANE Select); coding-DNA position 2083, G replaced by C.
Protein change: p.Glu695Gln; replaces glutamic acid 695 with glutamine.
Molecular consequence: missense variant.
Genome position (GRCh38, 1-based): chr4:54,729,427, G>C. VCF-style: chr4-54729427-G-C. GRCh37 (hg19) VCF-style: chr4-55595593-G-C.
Other names: c.2071G>C, p.Glu691Gln (NM_001093772.2, NM_001385286.1); c.2086G>C, p.Glu696Gln (NM_001385284.1, NM_001385290.1); c.2083G>C, p.Glu695Gln (NM_001385285.1); c.2074G>C, p.Glu692Gln (NM_001385288.1, NM_001385292.1); short protein forms E695Q, E691Q, E692Q, E696Q.
Identifiers: ClinVar variation 581595 (VCV000581595.10), dbSNP rs1277986442, ClinGen allele CA356909672.

ClinVar aggregate classification (germline): Uncertain significance. Review status: criteria provided, multiple submitters, no conflicts (2 of 4 stars). 2 submissions from 2 submitters: Uncertain significance (2). Last evaluated 2024-09-27.

Conditions:
Gastrointestinal stromal tumor. Also called: Gastrointestinal stromal tumor, somatic; Gastrointestinal stroma tumor. Identifiers: Orphanet 44890, MedGen C0238198, MeSH D046152, MONDO:0011719, OMIM 606764, HP:0100723.
Hereditary cancer-predisposing syndrome. Also called: Hereditary Cancer Syndrome; Tumor predisposition; Neoplastic Syndromes, Hereditary; Hereditary neoplastic syndrome. Identifiers: Orphanet 140162, MedGen C0027672, MeSH D009386, MONDO:0015356.

Allele frequency attached by ClinVar (database versions not stated): gnomAD exomes below 0.00001; TOPMed 0.00001.
gnomAD v4.1: 4 of 1,613,724 alleles (0.00025%); highest among the groups gnomAD compares: South Asian, 0.0044%; no homozygotes.

Submissions (2):

Ambry Genetics
Classification: Uncertain significance for Hereditary cancer-predisposing syndrome. Last evaluated: 2024-09-27. Review status: criteria provided, single submitter. Criteria: Ambry Variant Classification Scheme 2023. Collection method: clinical testing. Allele origin: germline.
Comment: The p.E695Q variant (also known as c.2083G>C), located in coding exon 14 of the KIT gene, results from a G to C substitution at nucleotide position 2083. The glutamic acid at codon 695 is replaced by glutamine, an amino acid with highly similar properties. This amino acid position is conserved. In addition, the in silico prediction for this alteration is inconclusive. Since supporting evidence is limited at this time, the clinical significance of this alteration remains unclear.

Labcorp Genetics (formerly Invitae), Labcorp
Classification: Uncertain significance for Gastrointestinal stromal tumor. Last evaluated: 2022-11-07. Review status: criteria provided, single submitter. Criteria: Invitae Variant Classification Sherloc (09022015). Collection method: clinical testing. Allele origin: germline.
Comment: In summary, the available evidence is currently insufficient to determine the role of this variant in disease. Therefore, it has been classified as a Variant of Uncertain Significance. Algorithms developed to predict the effect of missense changes on protein structure and function are either unavailable or do not agree on the potential impact of this missense change (SIFT: "Deleterious"; PolyPhen-2: "Probably Damaging"; Align-GVGD: "Class C0"). ClinVar contains an entry for this variant (Variation ID: 581595). This variant has not been reported in the literature in individuals affected with KIT-related conditions. This variant is present in population databases (no rsID available, gnomAD 0.003%). This sequence change replaces glutamic acid, which is acidic and polar, with glutamine, which is neutral and polar, at codon 695 of the KIT protein (p.Glu695Gln).